The following is an entry in ClinVar:

NM_004415.4(DSP):c.373A>C (p.Ile125Leu)

Gene: DSP (desmoplakin; plus strand). Cytogenetic location: 6p24.3.
Variant type: single nucleotide variant.
Coding change: c.373A>C on transcript NM_004415.4 (MANE Select); coding-DNA position 373, A replaced by C.
Protein change: p.Ile125Leu; replaces isoleucine 125 with leucine.
Molecular consequence: missense variant.
Genome position (GRCh38, 1-based): chr6:7,558,215, A>C. VCF-style: chr6-7558215-A-C. GRCh37 (hg19) VCF-style: chr6-7558448-A-C.
Other names: c.373A>C, p.Ile125Leu (NM_001008844.3, NM_001319034.2, NM_001406591.1); short protein forms I125L.
Identifiers: ClinVar variation 3273903 (VCV003273903.4).
Genomic context (GRCh38, chr6:7,558,215, plus strand): 5'-CGAGAATTGGATGAGTGTTTTGCCCAGGCCAATGACCAAATGGAAATCCTCGACAGCTTG[A>C]TCAGAGAGATGCGGCAGATGGGCCAGCCCTGTGATGCTTACCAGAAAAGGTATTGTCCAC-3'
Protein context (NP_004406.2, residues 115-135): NDQMEILDSL[Ile125Leu]REMRQMGQPC

ClinVar aggregate classification (germline): Uncertain significance. Review status: criteria provided, multiple submitters, no conflicts (2 of 4 stars). 3 submissions from 3 submitters: Uncertain significance (3). Last evaluated 2024-07-16.

Conditions:
Cardiomyopathy (CMYO). Also called: Cardiomyopathies. Identifiers: Orphanet 167848, MedGen C0878544, MONDO:0004994, HP:0001638. Inheritance: Various modes of inheritance.
Arrhythmogenic right ventricular dysplasia 8 (ARVD8). Also called: Arrhythmogenic Right Ventricular Dysplasia/Cardiomyopathy 8; ARRHYTHMOGENIC RIGHT VENTRICULAR DYSPLASIA, FAMILIAL, 8; ARRHYTHMOGENIC RIGHT VENTRICULAR CARDIOMYOPATHY 8. Identifiers: MedGen C1843896, MONDO:0011831, OMIM 607450.
Arrhythmogenic cardiomyopathy with wooly hair and keratoderma. Also called: PALMOPLANTAR KERATODERMA WITH LEFT VENTRICULAR CARDIOMYOPATHY AND WOOLLY HAIR; Carvajal syndrome; Arrhythmogenic cardiomyopathy with woolly hair and keratoderma; Dilated cardiomyopathy with woolly hair and keratoderma. Identifiers: Orphanet 65282, MedGen C1854063, MONDO:0011581, OMIM 605676.
Cardiovascular phenotype. Identifiers: MedGen CN230736.

gnomAD v4.1: 8 of 1,614,128 alleles (0.0005%); highest among the groups gnomAD compares: Non-Finnish European, 0.00068%; no homozygotes.

Submissions (3):

Labcorp Genetics (formerly Invitae), Labcorp
Classification: Uncertain significance for Arrhythmogenic cardiomyopathy with wooly hair and keratoderma; Arrhythmogenic right ventricular dysplasia 8. Last evaluated: 2024-07-16. Review status: criteria provided, single submitter. Criteria: Invitae Variant Classification Sherloc (09022015). Collection method: clinical testing. Allele origin: germline.
Comment: This sequence change replaces isoleucine, which is neutral and non-polar, with leucine, which is neutral and non-polar, at codon 125 of the DSP protein (p.Ile125Leu). This variant is present in population databases (no rsID available, gnomAD 0.007%). This variant has not been reported in the literature in individuals affected with DSP-related conditions. An algorithm developed to predict the effect of missense changes on protein structure and function (PolyPhen-2) suggests that this variant is likely to be tolerated. In summary, the available evidence is currently insufficient to determine the role of this variant in disease. Therefore, it has been classified as a Variant of Uncertain Significance.

Ambry Genetics
Classification: Uncertain significance for Cardiovascular phenotype. Last evaluated: 2024-05-24. Review status: criteria provided, single submitter. Criteria: Ambry Variant Classification Scheme 2023. Collection method: clinical testing. Allele origin: germline.
Comment: The p.I125L variant (also known as c.373A>C), located in coding exon 3 of the DSP gene, results from an A to C substitution at nucleotide position 373. The isoleucine at codon 125 is replaced by leucine, an amino acid with highly similar properties. This amino acid position is conserved. In addition, this alteration is predicted to be tolerated by in silico analysis. Based on the available evidence, the clinical significance of this variant remains unclear.

Color Diagnostics, LLC DBA Color Health
Classification: Uncertain significance for Cardiomyopathy. Last evaluated: 2023-10-16. Review status: criteria provided, single submitter. Criteria: ACMG Guidelines, 2015. Collection method: clinical testing. Allele origin: germline.
Comment: This missense variant replaces isoleucine with leucine at codon 125 of the DSP protein. Computational prediction suggests that this variant may not impact protein structure and function (internally defined REVEL score threshold <= 0.5, PMID: 27666373). To our knowledge, functional studies have not been reported for this variant. This variant has not been reported in individuals affected with DSP-related disorders in the literature. This variant has been identified in 1/31408 chromosomes in the general population by the Genome Aggregation Database (gnomAD). The available evidence is insufficient to determine the role of this variant in disease conclusively. Therefore, this variant is classified as a Variant of Uncertain Significance.